The following is an entry in ClinVar:

NM_000744.7(CHRNA4):c.384-199T>G

Gene: CHRNA4 (cholinergic receptor nicotinic alpha 4 subunit; minus strand). Cytogenetic location: 20q13.33.
Variant type: single nucleotide variant.
Coding change: c.384-199T>G on transcript NM_000744.7 (MANE Select); 199 bases into the intron before coding-DNA position 384, T replaced by G.
Molecular consequence: intron variant.
Genome position (GRCh38, 1-based): chr20:63,351,226, A>C on the plus strand (T>G on the coding strand, the complement: CHRNA4 is on the minus strand). VCF-style: chr20-63351226-A-C. GRCh37 (hg19) VCF-style: chr20-61982578-A-C.
Other names: c.-145-199T>G (NM_001256573.2).
Identifiers: ClinVar variation 679903 (VCV000679903.1), dbSNP rs75683226, ClinGen allele CA317436998.

ClinVar aggregate classification (germline): Likely benign (1 of 4 stars; one submission).

Allele frequency attached by ClinVar (database versions not stated): gnomAD 0.01073 and 0.01079; 1000 Genomes Project 0.40216.

Submission:

GeneDx
Classification: Likely benign. Last evaluated: 2018-06-14. Review status: criteria provided, single submitter. Criteria: GeneDx Variant Classification (06012015). Collection method: clinical testing. Allele origin: germline. Affected: yes.
Comment: This variant is considered likely benign or benign based on one or more of the following criteria: it is a conservative change, it occurs at a poorly conserved position in the protein, it is predicted to be benign by multiple in silico algorithms, and/or has population frequency not consistent with disease.